The following is an entry in ClinVar:

NM_000038.6(APC):c.2523A>T (p.Leu841Phe)

Gene: APC (APC regulator of Wnt signaling pathway; plus strand). Cytogenetic location: 5q22.2.
Variant type: single nucleotide variant.
Coding change: c.2523A>T on transcript NM_000038.6 (MANE Select); coding-DNA position 2523, A replaced by T.
Protein change: p.Leu841Phe; replaces leucine 841 with phenylalanine.
Molecular consequence: missense variant.
Genome position (GRCh38, 1-based): chr5:112,838,117, A>T. VCF-style: chr5-112838117-A-T. GRCh37 (hg19) VCF-style: chr5-112173814-A-T.
Other names: c.2523A>T, p.Leu841Phe (NM_001127510.3, NM_001354895.2, NM_001407450.1); c.2469A>T, p.Leu823Phe (NM_001127511.3); c.2577A>T, p.Leu859Phe (NM_001354896.2, NM_001407447.1, NM_001407448.1 and 1 more transcripts); c.2553A>T, p.Leu851Phe (NM_001354897.2); c.2448A>T, p.Leu816Phe (NM_001354898.2); c.2439A>T, p.Leu813Phe (NM_001354899.2); c.2400A>T, p.Leu800Phe (NM_001354900.2); c.2346A>T, p.Leu782Phe (NM_001354901.2, NM_001407453.1); and 12 more; short protein forms L457F, L758F, L813F, L816F, L841F, L851F, L859F, L869F.
Identifiers: ClinVar variation 1977739 (VCV001977739.6), dbSNP rs1554084238, ClinGen allele CA16026859.

ClinVar aggregate classification (germline): Uncertain significance. Review status: criteria provided, multiple submitters, no conflicts (2 of 4 stars). 2 submissions from 2 submitters: Uncertain significance (2). Last evaluated 2025-04-06.

Conditions:
Hereditary cancer-predisposing syndrome. Also called: Hereditary Cancer Syndrome; Neoplastic Syndromes, Hereditary; Tumor predisposition; Hereditary neoplastic syndrome. Identifiers: Orphanet 140162, MedGen C0027672, MeSH D009386, MONDO:0015356.
Familial adenomatous polyposis 1 (FAP1). Also called: FAMILIAL ADENOMATOUS POLYPOSIS 1, ATTENUATED; POLYPOSIS, ADENOMATOUS INTESTINAL. Identifiers: MedGen C2713442, MONDO:0021056, OMIM 175100. Disease mechanism: loss of function.

Submissions (2):

Ambry Genetics
Classification: Uncertain significance for Hereditary cancer-predisposing syndrome. Last evaluated: 2025-04-06. Review status: criteria provided, single submitter. Criteria: Ambry Variant Classification Scheme 2023. Collection method: clinical testing. Allele origin: germline.
Comment: The p.L841F variant (also known as c.2523A>T), located in coding exon 15 of the APC gene, results from an A to T substitution at nucleotide position 2523. The leucine at codon 841 is replaced by phenylalanine, an amino acid with highly similar properties. This amino acid position is conserved. In addition, in silico predictors for this gene do not accurately predict pathogenicity. Based on the available evidence, the clinical significance of this variant remains unclear.

Labcorp Genetics (formerly Invitae), Labcorp
Classification: Uncertain significance for Familial adenomatous polyposis 1. Last evaluated: 2021-12-14. Review status: criteria provided, single submitter. Criteria: Invitae Variant Classification Sherloc (09022015). Collection method: clinical testing. Allele origin: germline.
Comment: In summary, the available evidence is currently insufficient to determine the role of this variant in disease. Therefore, it has been classified as a Variant of Uncertain Significance. This sequence change replaces leucine, which is neutral and non-polar, with phenylalanine, which is neutral and non-polar, at codon 841 of the APC protein (p.Leu841Phe). This variant is not present in population databases (gnomAD no frequency). This variant has not been reported in the literature in individuals affected with APC-related conditions. Algorithms developed to predict the effect of missense changes on protein structure and function (SIFT, PolyPhen-2, Align-GVGD) all suggest that this variant is likely to be tolerated.